The following is an entry in ClinVar:

NM_004035.7(ACOX1):c.1135G>T (p.Ala379Ser)

Gene: ACOX1 (acyl-CoA oxidase 1; minus strand). Cytogenetic location: 17q25.1.
Variant type: single nucleotide variant.
Coding change: c.1135G>T on transcript NM_004035.7 (MANE Select); coding-DNA position 1135, G replaced by T.
Protein change: p.Ala379Ser; replaces alanine 379 with serine.
Molecular consequence: missense variant.
Genome position (GRCh38, 1-based): chr17:75,950,937, C>A on the plus strand (G>T on the coding strand, the complement: ACOX1 is on the minus strand). VCF-style: chr17-75950937-C-A. GRCh37 (hg19) VCF-style: chr17-73947018-C-A.
Other names: c.1021G>T, p.Ala341Ser (NM_001185039.2); c.1135G>T, p.Ala379Ser (NM_007292.6); short protein forms A341S, A379S.
Identifiers: ClinVar variation 4739709 (VCV004739709.1).

ClinVar aggregate classification (germline): Uncertain significance (1 of 4 stars; one submission).

Conditions:
Acyl-CoA oxidase deficiency. Also called: Peroxisomal acyl-CoA oxidase deficiency; STRAIGHT-CHAIN ACYL-CoA OXIDASE DEFICIENCY; Pseudoneonatal adrenoleukodystrophy. Identifiers: Orphanet 2971, MedGen C1849678, MONDO:0009919, OMIM 264470. Disease mechanism: loss of function.

gnomAD v4.1: 1 of 1,614,138 alleles (0.000062%); no homozygotes.

Submission:

Labcorp Genetics (formerly Invitae), Labcorp
Classification: Uncertain significance for Acyl-CoA oxidase deficiency. Last evaluated: 2025-10-10. Review status: criteria provided, single submitter. Criteria: Invitae Variant Classification Sherloc (09022015). Collection method: clinical testing. Allele origin: germline.
Comment: This sequence change replaces alanine, which is neutral and non-polar, with serine, which is neutral and polar, at codon 379 of the ACOX1 protein (p.Ala379Ser). This variant is not present in population databases (gnomAD no frequency). This variant has not been reported in the literature in individuals affected with ACOX1-related conditions. Invitae Evidence Modeling of protein sequence and biophysical properties (such as structural, functional, and spatial information, amino acid conservation, physicochemical variation, residue mobility, and thermodynamic stability) indicates that this missense variant is not expected to disrupt ACOX1 protein function with a negative predictive value of 80%. In summary, the available evidence is currently insufficient to determine the role of this variant in disease. Therefore, it has been classified as a Variant of Uncertain Significance.